The following is an entry in ClinVar:

NM_000135.4(FANCA):c.506A>T (p.Glu169Val)

Gene: FANCA (FA complementation group A; minus strand). Cytogenetic location: 16q24.3.
Variant type: single nucleotide variant.
Coding change: c.506A>T on transcript NM_000135.4 (MANE Select); coding-DNA position 506, A replaced by T.
Protein change: p.Glu169Val; replaces glutamic acid 169 with valine.
Molecular consequence: missense variant. On other transcripts: intron variant (1).
Genome position (GRCh38, 1-based): chr16:89,810,723, T>A on the plus strand (A>T on the coding strand, the complement: FANCA is on the minus strand). VCF-style: chr16-89810723-T-A. GRCh37 (hg19) VCF-style: chr16-89877131-T-A.
Other names: c.506A>T (NM_000135.2); c.506A>T, p.Glu169Val (NM_001018112.3, NM_001286167.3); c.426+206A>T (NM_001351830.2); short protein forms E169V.
Identifiers: ClinVar variation 1518604 (VCV001518604.9), dbSNP rs1403377153, ClinGen allele CA397480672.

ClinVar aggregate classification (germline): Uncertain significance. Review status: criteria provided, multiple submitters, no conflicts (2 of 4 stars). 2 submissions from 2 submitters: Uncertain significance (2). Last evaluated 2026-05-14.

Conditions:
Fanconi anemia (FA). Also called: Fanconi's anemia. Identifiers: Orphanet 84, MedGen C0015625, MeSH D005199, MONDO:0019391.
Inborn genetic diseases. Identifiers: MedGen C0950123, MeSH D030342.

Allele frequency attached by ClinVar (database versions not stated): gnomAD exomes below 0.00001.
gnomAD v4.1: 2 of 1,609,890 alleles (0.00012%); highest among the groups gnomAD compares: East Asian, 0.0045%; no homozygotes.

Submissions (2):

Ambry Genetics
Classification: Uncertain significance for Inborn genetic diseases. Last evaluated: 2026-05-14. Review status: criteria provided, single submitter. Criteria: Ambry Variant Classification Scheme 2023. Collection method: clinical testing. Allele origin: germline.
Comment: The p.E169V variant (also known as c.506A>T), located in coding exon 5 of the FANCA gene, results from an A to T substitution at nucleotide position 506. The glutamic acid at codon 169 is replaced by valine, an amino acid with dissimilar properties. This amino acid position is conserved. In addition, the in silico prediction for this alteration is inconclusive. Based on the available evidence, the clinical significance of this variant remains unclear.

Labcorp Genetics (formerly Invitae), Labcorp
Classification: Uncertain significance for Fanconi anemia. Last evaluated: 2021-03-23. Review status: criteria provided, single submitter. Criteria: Invitae Variant Classification Sherloc (09022015). Collection method: clinical testing. Allele origin: germline.
Comment: This sequence change replaces glutamic acid with valine at codon 169 of the FANCA protein (p.Glu169Val). The glutamic acid residue is moderately conserved and there is a moderate physicochemical difference between glutamic acid and valine. In summary, the available evidence is currently insufficient to determine the role of this variant in disease. Therefore, it has been classified as a Variant of Uncertain Significance. Algorithms developed to predict the effect of missense changes on protein structure and function are either unavailable or do not agree on the potential impact of this missense change (SIFT: "Deleterious"; PolyPhen-2: "Benign"; Align-GVGD: "Class C0"). This variant has not been reported in the literature in individuals with FANCA-related conditions. This variant is not present in population databases (ExAC no frequency).